The following is an entry in ClinVar:

ClinVar aggregate classification (germline): Uncertain significance. Review status: criteria provided, multiple submitters, no conflicts (2 of 4 stars). 3 submissions from 3 submitters: Uncertain significance (3). Last evaluated 2025-12-08.

Conditions:
Hereditary cancer-predisposing syndrome. Also called: Tumor predisposition; Hereditary Cancer Syndrome; Hereditary neoplastic syndrome; Neoplastic Syndromes, Hereditary. Identifiers: Orphanet 140162, MedGen C0027672, MeSH D009386, MONDO:0015356.
Familial melanoma. Also called: Hereditary melanoma; Hereditary cutaneous melanoma. Identifiers: Orphanet 618, MedGen C1512419, MONDO:0018961.

Allele frequency attached by ClinVar (database versions not stated): gnomAD exomes below 0.00001; TOPMed below 0.00001.
gnomAD v4.1: 3 of 1,606,314 alleles (0.00019%); highest among the groups gnomAD compares: South Asian, 0.0011%; no homozygotes.

Submissions (3):

Labcorp Genetics (formerly Invitae), Labcorp
Classification: Uncertain significance for Familial melanoma. Last evaluated: 2025-12-08. Review status: criteria provided, single submitter. Criteria: Invitae Variant Classification Sherloc (09022015). Collection method: clinical testing. Allele origin: germline.
Comment: The CDKN2A gene encodes two different proteins, p16INK4a and p14ARF, which are translated from alternative transcripts with different open reading frames. Both transcripts have been analyzed. We report either the variant with the higher classification or default to the CDKN2A (p16INK4a) variant. This report therefore includes the details for the CDKN2A (p16INK4a) variant. This sequence change replaces alanine, which is neutral and non-polar, with aspartic acid, which is acidic and polar, at codon 109 of the CDKN2A (p16INK4a) protein (p.Ala109Asp). This variant is not present in population databases (gnomAD no frequency). This variant has not been reported in the literature in individuals affected with CDKN2A (p16INK4a)-related conditions. This variant is also known as c.369C>A (p.Cys123*) in the CDKN2A (p14ARF) transcript. ClinVar contains an entry for this variant (Variation ID: 420995). An algorithm developed to predict the effect of missense changes on protein structure and function (PolyPhen-2) suggests that this variant is likely to be tolerated. Experimental studies have shown that this missense change does not substantially affect CDKN2A (p16INK4a) function (PMID: 12606942). In summary, the available evidence is currently insufficient to determine the role of this variant in disease. Therefore, it has been classified as a Variant of Uncertain Significance.

Ambry Genetics
Classification: Uncertain significance for Hereditary cancer-predisposing syndrome. Last evaluated: 2025-08-26. Review status: criteria provided, single submitter. Criteria: Ambry Variant Classification Scheme 2023. Collection method: clinical testing. Allele origin: germline.
Comment: The p.A109D variant (also known as c.326C>A), located in coding exon 2 of the CDKN2A gene, results from a C to A substitution at nucleotide position 326. The alanine at codon 109 is replaced by aspartic acid, an amino acid with dissimilar properties. Of note, this variant is also known as c.369C>A in the p14(ARF) isoform. This alteration performed similar to wild type in a cell cycle arrest assay (Miller PJ et al. Hum. Mutat., 2011 Aug;32:900-11). This amino acid position is not well conserved in available vertebrate species. In addition, this alteration is predicted to be deleterious by in silico analysis. Based on the available evidence, the clinical significance of this variant remains unclear.

GeneDx
Classification: Uncertain significance. Last evaluated: 2016-04-21. Review status: criteria provided, single submitter. Criteria: GeneDx Variant Classification (06012015). Collection method: clinical testing. Allele origin: germline. Affected: yes.
Comment: This variant is denoted CDKN2A c.326C>A at the cDNA level and p.Ala109Asp (A109D) at the protein level using the primary, p16, transcript. The CDKN2A open reading frame encodes for at least two proteins; p16 and p14-ARF, the later expressed mainly under elevated mitogenic stimulation. This C>A substitution results in the change of an Alanine to an Aspartic Acid (GCC>GAC) in the p16 protein while in the p14-ARF protein it results in a nonsense variant, denoted as c.369C>A and p.Cys123Ter, which changes a Cysteine to a premature stop codon (TGT>TGA) causing the loss of the last 10 amino acids.CDKN2A Ala109Asp, in the p16 protein, has not, to our knowledge, been published in the literature as pathogenic or benign. This variant was not observed in approximately 6,500 individuals of European and African American ancestry in the NHLBI Exome Sequencing Project, suggesting it is not a common benign variant in these populations. Since Alanine and Aspartic Acid differ in polarity, charge, size or other properties, this is considered a non-conservative amino acid substitution. CDKN2A Ala109Asp occurs at a position that is not conserved and is not located in a known functional domain (UniProt). In silico analyses are inconsistent regarding the effect this variant may have on protein structure and function. CDKN2A Cys123Ter, in the p14-ARF protein, is predicted to cause loss of normal function through protein truncation; however, the protein is not expected to undergo nonsense-mediated decay. Therefore the resultant protein may retain some normal function. In summary, based on currently available evidence, both the amino acid substitution in the p16 protein, Ala109Asp, and the nonsense change in the p14-ARF protein, Cys123Ter, are considered variants of uncertain significance.

Literature cited by the submitters: PubMed 12606942 (cited by Labcorp Genetics (formerly Invitae), Labcorp and Ambry Genetics); PubMed 21462282 (cited by Ambry Genetics).

NM_000077.5(CDKN2A):c.326C>A (p.Ala109Asp)

Gene: CDKN2A (cyclin dependent kinase inhibitor 2A; minus strand). Cytogenetic location: 9p21.3.
Variant type: single nucleotide variant.
Coding change: c.326C>A on transcript NM_000077.5; coding-DNA position 326, C replaced by A.
Protein change: p.Ala109Asp; replaces alanine 109 with aspartic acid.
Molecular consequence: missense variant (on NM_000077.6). On other transcripts: nonsense (1), 3 prime UTR variant (1).
Genome position (GRCh38, 1-based): chr9:21,971,033, G>T on the plus strand (C>A on the coding strand, the complement: CDKN2A is on the minus strand). VCF-style: chr9-21971033-G-T. GRCh37 (hg19) VCF-style: chr9-21971032-G-T.
Other names: c.326C>A, p.Ala109Asp (NM_000077.6, NM_001195132.2); c.173C>A, p.Ala58Asp (NM_001363763.2); c.369C>A, p.Cys123Ter (NM_058195.4); c.*249C>A (NM_058197.5); short protein forms A109D, C123*, A58D.
Identifiers: ClinVar variation 420995 (VCV000420995.14), dbSNP rs1064794838, ClinGen allele CA16618825.